The following is an entry in ClinVar:

NM_007294.4(BRCA1):c.3545A>G (p.Gln1182Arg)

Genes: BRCA1 (BRCA1 DNA repair associated; minus strand), LOC126862571 (BRD4-independent group 4 enhancer GRCh37_chr17:41243136-41244335; plus strand). Cytogenetic location: 17q21.31.
Variant type: single nucleotide variant.
Coding change: c.3545A>G on transcript NM_007294.4 (MANE Select); coding-DNA position 3545, A replaced by G.
Protein change: p.Gln1182Arg; replaces glutamine 1182 with arginine.
Molecular consequence: missense variant. On other transcripts: intron variant (135).
Genome position (GRCh38, 1-based): chr17:43,091,986, T>C on the plus strand (A>G on the coding strand, the complement: BRCA1 is on the minus strand). VCF-style: chr17-43091986-T-C. GRCh37 (hg19) VCF-style: chr17-41244003-T-C.
Other names: c.3545A>G, p.Gln1182Arg (NM_001407618.1, NM_001407619.1, NM_001407620.1 and 30 more transcripts); c.788-954A>G (NM_001407974.1, NM_001407973.1, NM_001407980.1 and 17 more transcripts); c.578-954A>G (NM_001408492.1, NM_001408513.1, NM_001408481.1 and 9 more transcripts); c.644-954A>G (NM_001408468.1, NM_001408470.1, NM_001408464.1 and 3 more transcripts); c.524-954A>G (NM_001408501.1, NM_001408500.1, NM_001408497.1 and 3 more transcripts); c.647-954A>G (NM_001408455.1, NM_001408457.1, NM_001408466.1 and 11 more transcripts); c.521-954A>G (NM_001408503.1, NM_001408505.1, NM_001408504.1); c.3542A>G, p.Gln1181Arg (NM_001407629.1, NM_001407630.1, NM_001407631.1 and 22 more transcripts); and 41 more; short protein forms Q1014R, Q1054R, Q1055R, Q1070R, Q1071R, Q1093R, Q1094R, Q1111R.
Identifiers: ClinVar variation 4756459 (VCV004756459.2).

ClinVar aggregate classification (germline): Uncertain significance. Review status: criteria provided, multiple submitters, no conflicts (2 of 4 stars). 2 submissions from 2 submitters: Uncertain significance (2). Last evaluated 2025-09-16.

Conditions:
Hereditary cancer-predisposing syndrome. Also called: Tumor predisposition; Hereditary Cancer Syndrome; Neoplastic Syndromes, Hereditary; Hereditary neoplastic syndrome. Identifiers: Orphanet 140162, MedGen C0027672, MeSH D009386, MONDO:0015356.
Hereditary breast ovarian cancer syndrome. Also called: Hereditary breast and ovarian cancer syndrome; Hereditary breast and ovarian cancer; Breast and ovarian cancer; Hereditary breast and/or ovarian cancer syndrome; Hereditary breast and ovarian cancer syndrome (HBOC); BRCA1- and BRCA2-Associated Hereditary Breast and Ovarian Cancer. Identifiers: Orphanet 145, MedGen C0677776, MeSH D061325, MONDO:0003582. Disease mechanism: loss of function.

gnomAD v4.1: 1 of 1,614,154 alleles (0.000062%); highest among the groups gnomAD compares: African/African-American, 0.0013%; no homozygotes.

Submissions (2):

Color Diagnostics, LLC DBA Color Health
Classification: Uncertain significance for Hereditary cancer-predisposing syndrome. Last evaluated: 2025-09-16. Review status: criteria provided, single submitter. Criteria: ACMG Guidelines, 2015. Collection method: clinical testing. Allele origin: germline.
Comment: This missense variant replaces glutamine with arginine at codon 1182 of the BRCA1 protein. Computational prediction suggests that this variant may not impact protein structure and function. To our knowledge, functional studies have not been reported for this variant. This variant has not been reported in individuals affected with BRCA1-related disorders in the literature. This variant has not been identified in the general population by the Genome Aggregation Database (gnomAD). The available evidence is insufficient to determine the role of this variant in disease conclusively. Therefore, this variant is classified as a Variant of Uncertain Significance.

Labcorp Genetics (formerly Invitae), Labcorp
Classification: Uncertain significance for Hereditary breast ovarian cancer syndrome. Last evaluated: 2025-05-08. Review status: criteria provided, single submitter. Criteria: Invitae Variant Classification Sherloc (09022015). Collection method: clinical testing. Allele origin: germline.
Comment: This sequence change replaces glutamine, which is neutral and polar, with arginine, which is basic and polar, at codon 1182 of the BRCA1 protein (p.Gln1182Arg). This variant is not present in population databases (gnomAD no frequency). This variant has not been reported in the literature in individuals affected with BRCA1-related conditions. Invitae Evidence Modeling of protein sequence and biophysical properties (such as structural, functional, and spatial information, amino acid conservation, physicochemical variation, residue mobility, and thermodynamic stability) indicates that this missense variant is expected to disrupt BRCA1 protein function with a positive predictive value of 80%. In summary, the available evidence is currently insufficient to determine the role of this variant in disease. Therefore, it has been classified as a Variant of Uncertain Significance.